The following is an entry in ClinVar:

ClinVar aggregate classification (germline): Uncertain significance (1 of 4 stars; one submission).

Allele frequency attached by ClinVar (database versions not stated): TOPMed 0.00001; gnomAD 0.00001.
gnomAD v4.1: 1 of 1,608,814 alleles (0.000062%); highest among the groups gnomAD compares: African/African-American, 0.0013%; no homozygotes.

Submission:

Greenwood Genetic Center Diagnostic Laboratories, Greenwood Genetic Center
Classification: Uncertain significance. Last evaluated: 2021-09-22. Review status: criteria provided, single submitter. Criteria: ACMG Guidelines, 2015. Collection method: clinical testing. Allele origin: germline. Affected: yes.
Comment: PM2

NM_001145358.2(SIN3A):c.7C>A (p.Arg3=)

Gene: SIN3A (SIN3 transcription regulator family member A; minus strand). Cytogenetic location: 15q24.2.
Variant type: single nucleotide variant.
Coding change: c.7C>A on transcript NM_001145358.2 (MANE Select); coding-DNA position 7, C replaced by A.
Protein change: p.Arg3=; no amino-acid change (arginine 3 retained).
Molecular consequence: synonymous variant.
Genome position (GRCh38, 1-based): chr15:75,430,369, G>T on the plus strand (C>A on the coding strand, the complement: SIN3A is on the minus strand). VCF-style: chr15-75430369-G-T. GRCh37 (hg19) VCF-style: chr15-75722710-G-T.
Other names: c.7C>A, p.Arg3= (NM_001145357.2, NM_015477.3).
Identifiers: ClinVar variation 1334596 (VCV001334596.4), dbSNP rs1284838849, ClinGen allele CA491261369.